The following is an entry in ClinVar:

NM_033448.3(KRT71):c.1313G>A (p.Ser438Asn)

Gene: KRT71 (keratin 71; minus strand). Cytogenetic location: 12q13.13.
Variant type: single nucleotide variant.
Coding change: c.1313G>A on transcript NM_033448.3 (MANE Select); coding-DNA position 1313, G replaced by A.
Protein change: p.Ser438Asn; replaces serine 438 with asparagine.
Molecular consequence: missense variant.
Genome position (GRCh38, 1-based): chr12:52,546,298, C>T on the plus strand (G>A on the coding strand, the complement: KRT71 is on the minus strand). VCF-style: chr12-52546298-C-T. GRCh37 (hg19) VCF-style: chr12-52940082-C-T.
Other names: c.1313G>A (NM_033448.2); short protein forms S438N.
Identifiers: ClinVar variation 1919652 (VCV001919652.6), dbSNP rs1410197681, ClinGen allele CA384941296.

ClinVar aggregate classification (germline): Uncertain significance. Review status: criteria provided, multiple submitters, no conflicts (2 of 4 stars). 2 submissions from 2 submitters: Uncertain significance (2). Last evaluated 2023-11-07.

Allele frequency attached by ClinVar (database versions not stated): gnomAD exomes below 0.00001.
gnomAD v4.1: 6 of 1,614,176 alleles (0.00037%); highest among the groups gnomAD compares: East Asian, 0.0045%; no homozygotes.

Submissions (2):

Ambry Genetics
Classification: Uncertain significance. Last evaluated: 2023-11-07. Review status: criteria provided, single submitter. Criteria: Ambry Variant Classification Scheme 2023. Collection method: clinical testing. Allele origin: germline.

Labcorp Genetics (formerly Invitae), Labcorp
Classification: Uncertain significance. Last evaluated: 2022-06-28. Review status: criteria provided, single submitter. Criteria: Invitae Variant Classification Sherloc (09022015). Collection method: clinical testing. Allele origin: germline.
Comment: In summary, the available evidence is currently insufficient to determine the role of this variant in disease. Therefore, it has been classified as a Variant of Uncertain Significance. Algorithms developed to predict the effect of missense changes on protein structure and function (SIFT, PolyPhen-2, Align-GVGD) all suggest that this variant is likely to be tolerated. This variant has not been reported in the literature in individuals affected with KRT71-related conditions. This variant is present in population databases (no rsID available, gnomAD 0.01%). This sequence change replaces serine, which is neutral and polar, with asparagine, which is neutral and polar, at codon 438 of the KRT71 protein (p.Ser438Asn).